The following is an entry in ClinVar:

ClinVar aggregate classification (germline): Uncertain significance (1 of 4 stars; one submission).

Allele frequency attached by ClinVar (database versions not stated): gnomAD exomes below 0.00001.

Submission:

Labcorp Genetics (formerly Invitae), Labcorp
Classification: Uncertain significance. Last evaluated: 2020-11-10. Review status: criteria provided, single submitter. Criteria: Invitae Variant Classification Sherloc (09022015). Collection method: clinical testing. Allele origin: germline.
Comment: This sequence change affects the initiator methionine of the OTULIN mRNA. The next in-frame methionine is located at codon 6. The frequency data for this variant in the population databases is considered unreliable, as metrics indicate insufficient coverage at this position in the ExAC database. This variant has not been reported in the literature in individuals with OTULIN-related conditions. Experimental studies and prediction algorithms are not available or were not evaluated, and the functional significance of this variant is currently unknown. In summary, the available evidence is currently insufficient to determine the role of this variant in disease. Therefore, it has been classified as a Variant of Uncertain Significance.

NM_138348.6(OTULIN):c.1del (p.Met1*)

Gene: OTULIN (OTU deubiquitinase with linear linkage specificity; plus strand). Cytogenetic location: 5p15.2.
Variant type: Deletion.
Coding change: c.1del on transcript NM_138348.6 (MANE Select); coding-DNA position 1, one base deleted (A; older notation c.1delA).
Protein change: p.Met1*; replaces methionine 1 with a stop codon.
Molecular consequence: nonsense, initiator codon variant.
Genome position (GRCh38, 1-based): chr5:14,664,826, A deleted. VCF-style (leftmost placement, unchanged base first): chr5-14664825-CA-C. GRCh37 (hg19) VCF-style: chr5-14664934-CA-C.
Identifiers: ClinVar variation 1462152 (VCV001462152.8), dbSNP rs2126808638, ClinGen allele CA2573138589.